The following is an entry in ClinVar:

ClinVar aggregate classification (germline): Likely pathogenic (1 of 4 stars; one submission).

Conditions:
Cardiovascular phenotype. Identifiers: MedGen CN230736.

Submission:

Ambry Genetics
Classification: Likely pathogenic for Cardiovascular phenotype. Last evaluated: 2026-01-28. Review status: criteria provided, single submitter. Criteria: Ambry Variant Classification Scheme 2023. Collection method: clinical testing. Allele origin: germline.
Comment: The c.77734_77741delCACAATGGinsATGC variant, located in coding exon 185 of the TTN gene, results from the deletion of 8 nucleotides and insertion of 4 nucleotides causing a translational frameshift with a predicted alternate stop codon (p.H25912Mfs*54). This exon is located in the M-band region of the N2-B isoform of the titin protein and is constitutively expressed in TTN transcripts (percent spliced in or PSI 100%). This variant is expected to result in loss of function by premature protein truncation or nonsense-mediated mRNA decay. While truncating variants in TTN are present in 1-3% of the general population, truncating variants in the M-band have been reported in association with autosomal recessive titinopathies, primarily presenting with skeletal myopathy phenotypes (Ceyhan-Birsoy O et al. Neurology. 2013 Oct 1;81(14):1205-14; De Cid R et al. Neurology. 2015;85(24):2126-35). Truncating variants in coding exon 185 of the M-band of the N2-B isoform have also been specifically associated with autosomal dominant dilated cardiomyopathy (Vatta M et al. Circ GenomPrecis Med. 2025 Feb:e004982). More generally, TTN truncating variants encoded in constitutive exons (PSI >90%) have been found to be significantly associated with dilated cardiomyopathy (DCM) regardless of their position, although truncating variants in the A-band are the most common cause of DCM (Herman DS et al. N. Engl. J. Med., 2012 Feb;366:619-28; Roberts AM et al. Sci Transl Med, 2015 Jan;7:270ra6; Schafer S et al. Nat. Genet., 2017 01;49:46-53; Akhtar MM et al. Circ Heart Fail, 2020 Oct;13:e006832; Massier M et al. Clin Genet, 2025 Jan). This variant is considered to be rare based on population cohorts in the Genome Aggregation Database (gnomAD). Based on the majority of available evidence to date, this variant is likely to be pathogenic.

NM_001267550.2(TTN):c.104929_104936delinsATGC (p.His34977fs)

Genes: TTN (titin; minus strand), TTN-AS1 (TTN antisense RNA 1; plus strand). Cytogenetic location: 2q31.2.
Variant type: Indel.
Coding change: c.104929_104936delinsATGC on transcript NM_001267550.2 (MANE Select); coding-DNA positions 104929 to 104936, CACAATGG replaced by ATGC.
Protein change: p.His34977fs; shifts the reading frame from histidine 34977.
Molecular consequence: frameshift variant.
Genome position (GRCh38, 1-based): chr2:178,531,679-178,531,686, CCATTGTG replaced by GCAT on the plus strand (CACAATGG replaced by ATGC on the coding strand, the reverse complement: TTN is on the minus strand). VCF-style: chr2-178531679-CCATTGTG-GCAT. GRCh37 (hg19) VCF-style: chr2-179396406-CCATTGTG-GCAT.
Other names: c.100006_100013delinsATGC, p.His33336fs (NM_001256850.1); c.77734_77741delinsATGC, p.His25912fs (NM_003319.4); c.97225_97232delinsATGC, p.His32409fs (NM_133378.4); c.78109_78116delinsATGC, p.His26037fs (NM_133432.3); c.78310_78317delinsATGC, p.His26104fs (NM_133437.4); c.77734_77741delCACAATGGinsATGC (NM_003319.4); short protein forms H33336fs, H34977fs, H32409fs, H25912fs, H26037fs, H26104fs.
Identifiers: ClinVar variation 4824734 (VCV004824734.1).